The following is an entry in ClinVar:

ClinVar aggregate classification (germline): Uncertain significance (1 of 4 stars; one submission).

Allele frequency attached by ClinVar (database versions not stated): gnomAD exomes below 0.00001.
gnomAD v4.1: 2 of 1,613,794 alleles (0.00012%); highest among the groups gnomAD compares: Admixed American, 0.0017%; no homozygotes.

Submission:

Labcorp Genetics (formerly Invitae), Labcorp
Classification: Uncertain significance. Last evaluated: 2024-06-03. Review status: criteria provided, single submitter. Criteria: Invitae Variant Classification Sherloc (09022015). Collection method: clinical testing. Allele origin: germline.
Comment: This sequence change replaces lysine, which is basic and polar, with glutamine, which is neutral and polar, at codon 90 of the EEF2 protein (p.Lys90Gln). This variant is present in population databases (no rsID available, gnomAD 0.003%). This variant has not been reported in the literature in individuals affected with EEF2-related conditions. ClinVar contains an entry for this variant (Variation ID: 1971131). An algorithm developed to predict the effect of missense changes on protein structure and function (PolyPhen-2) suggests that this variant is likely to be tolerated. In summary, the available evidence is currently insufficient to determine the role of this variant in disease. Therefore, it has been classified as a Variant of Uncertain Significance.

NM_001961.4(EEF2):c.268A>C (p.Lys90Gln)

Gene: EEF2 (eukaryotic translation elongation factor 2; minus strand). Cytogenetic location: 19p13.3.
Variant type: single nucleotide variant.
Coding change: c.268A>C on transcript NM_001961.4 (MANE Select); coding-DNA position 268, A replaced by C.
Protein change: p.Lys90Gln; replaces lysine 90 with glutamine.
Molecular consequence: missense variant.
Genome position (GRCh38, 1-based): chr19:3,983,242, T>G on the plus strand (A>C on the coding strand, the complement: EEF2 is on the minus strand). VCF-style: chr19-3983242-T-G. GRCh37 (hg19) VCF-style: chr19-3983240-T-G.
Other names: short protein forms K90Q.
Identifiers: ClinVar variation 1971131 (VCV001971131.5), dbSNP rs1252151598, ClinGen allele CA403395287.
Genomic context (GRCh38, chr19:3,983,242, plus strand): 5'-CGACATGCCCGGGGGAGTCAATGAGGTTGATGAGGAAGCCGGCACCGTCCTTGCTCTGCT[T>G]GATGAAGTTCAAGTCATTCTCCGAGAGCTCGTAGAAGAGGGAGATGGCACTGATGGAGGG-3'
Protein context (NP_001952.1, residues 80-100): ELSENDLNFI[Lys90Gln]QSKDGAGFLI